The following is an entry in ClinVar:

ClinVar aggregate classification (germline): Uncertain significance. Review status: criteria provided, multiple submitters, no conflicts (2 of 4 stars). 2 submissions from 2 submitters: Uncertain significance (2). Last evaluated 2025-12-31.

Conditions:
SLC27A5-related disorder. Also called: SLC27A5-related condition.

Allele frequency attached by ClinVar (database versions not stated): gnomAD 0.00001; gnomAD exomes 0.00001 and 0.00002; TOPMed 0.00001; ExAC 0.00002; ESP Exome Variant Server 0.00008.
gnomAD v4.1: 21 of 1,613,942 alleles (0.0013%); highest among the groups gnomAD compares: Admixed American, 0.0017%; no homozygotes.

Submissions (2):

PreventionGenetics, part of Exact Sciences
Classification: Uncertain significance for SLC27A5-related condition. Last evaluated: 2025-12-31. Review status: criteria provided, single submitter. Criteria: ACMG Guidelines, 2015. Collection method: clinical testing. Allele origin: germline.
Comment: The SLC27A5 c.945G>A variant is predicted to result in the amino acid substitution p.Met315Ile. To our knowledge, this variant has not been reported in the literature. This variant is reported in 0.0035% of alleles in individuals of European (Non-Finnish) descent in gnomAD. At this time, the clinical significance of this variant is uncertain due to the absence of conclusive functional and genetic evidence.

Eurofins Ntd Llc (ga)
Classification: Uncertain significance. Last evaluated: 2017-08-04. Review status: criteria provided, single submitter. Criteria: EGL Classification Definitions 2015. Collection method: clinical testing. Allele origin: germline. Observed: 1 variant allele, 1 heterozygote.

NM_012254.3(SLC27A5):c.945G>A (p.Met315Ile)

Gene: SLC27A5 (solute carrier family 27 member 5; minus strand). Cytogenetic location: 19q13.43.
Variant type: single nucleotide variant.
Coding change: c.945G>A on transcript NM_012254.3 (MANE Select); coding-DNA position 945, G replaced by A.
Protein change: p.Met315Ile; replaces methionine 315 with isoleucine.
Molecular consequence: missense variant.
Genome position (GRCh38, 1-based): chr19:58,509,959, C>T on the plus strand (G>A on the coding strand, the complement: SLC27A5 is on the minus strand). VCF-style: chr19-58509959-C-T. GRCh37 (hg19) VCF-style: chr19-59021326-C-T.
Other names: c.693G>A, p.Met231Ile (NM_001321196.2); c.945G>A (NM_012254.2); short protein forms M315I, M231I.
Identifiers: ClinVar variation 593521 (VCV000593521.6), dbSNP rs370687843, ClinGen allele CA9718145.